The following is an entry in ClinVar:

NM_032228.6(FAR1):c.724G>A (p.Gly242Arg)

Gene: FAR1 (fatty acyl-CoA reductase 1; plus strand). Cytogenetic location: 11p15.3.
Variant type: single nucleotide variant.
Coding change: c.724G>A on transcript NM_032228.6 (MANE Select); coding-DNA position 724, G replaced by A.
Protein change: p.Gly242Arg; replaces glycine 242 with arginine.
Molecular consequence: missense variant.
Genome position (GRCh38, 1-based): chr11:13,711,764, G>A. VCF-style: chr11-13711764-G-A. GRCh37 (hg19) VCF-style: chr11-13733311-G-A.
Other names: short protein forms G242R.
Identifiers: ClinVar variation 1375955 (VCV001375955.6), dbSNP rs2134192191, ClinGen allele CA379857558.

ClinVar aggregate classification (germline): Uncertain significance (1 of 4 stars; one submission).

Submission:

Labcorp Genetics (formerly Invitae), Labcorp
Classification: Uncertain significance. Last evaluated: 2024-08-17. Review status: criteria provided, single submitter. Criteria: Invitae Variant Classification Sherloc (09022015). Collection method: clinical testing. Allele origin: germline.
Comment: This sequence change replaces glycine, which is neutral and non-polar, with arginine, which is basic and polar, at codon 242 of the FAR1 protein (p.Gly242Arg). This variant is not present in population databases (gnomAD no frequency). This variant has not been reported in the literature in individuals affected with FAR1-related conditions. ClinVar contains an entry for this variant (Variation ID: 1375955). An algorithm developed to predict the effect of missense changes on protein structure and function (PolyPhen-2) suggests that this variant is likely to be disruptive. In summary, the available evidence is currently insufficient to determine the role of this variant in disease. Therefore, it has been classified as a Variant of Uncertain Significance.